The following is an entry in ClinVar:

NM_152415.3(VPS37A):c.735G>A (p.Met245Ile)

Gene: VPS37A (VPS37A subunit of ESCRT-I; plus strand). Cytogenetic location: 8p22.
Variant type: single nucleotide variant.
Coding change: c.735G>A on transcript NM_152415.3 (MANE Select); coding-DNA position 735, G replaced by A.
Protein change: p.Met245Ile; replaces methionine 245 with isoleucine.
Molecular consequence: missense variant.
Genome position (GRCh38, 1-based): chr8:17,280,049, G>A. VCF-style: chr8-17280049-G-A. GRCh37 (hg19) VCF-style: chr8-17137558-G-A.
Other names: c.660G>A, p.Met220Ile (NM_001145152.2); c.735G>A, p.Met245Ile (NM_001363167.1, NM_001363173.2); c.465G>A, p.Met155Ile (NM_001363168.1, NM_001363169.1, NM_001363170.1 and 2 more transcripts); short protein forms M155I, M245I, M220I.
Identifiers: ClinVar variation 1934058 (VCV001934058.5), dbSNP rs765783117, ClinGen allele CA4643487.

ClinVar aggregate classification (germline): Uncertain significance (1 of 4 stars; one submission).

Conditions:
Hereditary spastic paraplegia 53. Also called: Spastic paraplegia 53, autosomal recessive. Identifiers: Orphanet 319199, MedGen C3539494, MONDO:0013962, OMIM 614898.

Allele frequency attached by ClinVar (database versions not stated): gnomAD exomes 0.00001; ExAC 0.00002.
gnomAD v4.1: 10 of 1,611,510 alleles (0.00062%); highest among the groups gnomAD compares: South Asian, 0.0077%; no homozygotes.

Submission:

Labcorp Genetics (formerly Invitae), Labcorp
Classification: Uncertain significance for Hereditary spastic paraplegia 53. Last evaluated: 2022-05-10. Review status: criteria provided, single submitter. Criteria: Invitae Variant Classification Sherloc (09022015). Collection method: clinical testing. Allele origin: germline.
Comment: Algorithms developed to predict the effect of missense changes on protein structure and function (SIFT, PolyPhen-2, Align-GVGD) all suggest that this variant is likely to be tolerated. This variant has not been reported in the literature in individuals affected with VPS37A-related conditions. This variant is present in population databases (rs765783117, gnomAD 0.01%). This sequence change replaces methionine, which is neutral and non-polar, with isoleucine, which is neutral and non-polar, at codon 245 of the VPS37A protein (p.Met245Ile). In summary, the available evidence is currently insufficient to determine the role of this variant in disease. Therefore, it has been classified as a Variant of Uncertain Significance.